The following is an entry in ClinVar:

NM_001170629.2(CHD8):c.5869T>C (p.Phe1957Leu)

Gene: CHD8 (chromodomain helicase DNA binding protein 8; minus strand). Cytogenetic location: 14q11.2.
Variant type: single nucleotide variant.
Coding change: c.5869T>C on transcript NM_001170629.2 (MANE Select); coding-DNA position 5869, T replaced by C.
Protein change: p.Phe1957Leu; replaces phenylalanine 1957 with leucine.
Molecular consequence: missense variant.
Genome position (GRCh38, 1-based): chr14:21,393,926, A>G on the plus strand (T>C on the coding strand, the complement: CHD8 is on the minus strand). VCF-style: chr14-21393926-A-G. GRCh37 (hg19) VCF-style: chr14-21862085-A-G.
Other names: c.5032T>C, p.Phe1678Leu (NM_020920.4); short protein forms F1678L, F1957L.
Identifiers: ClinVar variation 3378225 (VCV003378225.1).

ClinVar aggregate classification (germline): Uncertain significance (1 of 4 stars; one submission).

Submission:

GeneDx
Classification: Uncertain significance. Last evaluated: 2024-05-13. Review status: criteria provided, single submitter. Criteria: GeneDx Variant Classification Process June 2021. Collection method: clinical testing. Allele origin: germline. Affected: yes.
Comment: Not observed at significant frequency in large population cohorts (gnomAD); In silico analysis supports that this missense variant has a deleterious effect on protein structure/function; Has not been previously published as pathogenic or benign to our knowledge